The following is an entry in ClinVar:

NM_000275.3(OCA2):c.1715G>A (p.Arg572His)

Gene: OCA2 (OCA2 melanosomal transmembrane protein; minus strand). Cytogenetic location: 15q13.1.
Variant type: single nucleotide variant.
Coding change: c.1715G>A on transcript NM_000275.3 (MANE Select); coding-DNA position 1715, G replaced by A.
Protein change: p.Arg572His; replaces arginine 572 with histidine.
Molecular consequence: missense variant.
Genome position (GRCh38, 1-based): chr15:27,957,657, C>T on the plus strand (G>A on the coding strand, the complement: OCA2 is on the minus strand). VCF-style: chr15-27957657-C-T. GRCh37 (hg19) VCF-style: chr15-28202803-C-T.
Other names: c.1643G>A, p.Arg548His (NM_001300984.2); short protein forms R548H, R572H.
Identifiers: ClinVar variation 1470861 (VCV001470861.3), dbSNP rs754265614, ClinGen allele CA7438938.

ClinVar aggregate classification (germline): Uncertain significance (1 of 4 stars; one submission).

Allele frequency attached by ClinVar (database versions not stated): gnomAD exomes 0.00001; ExAC 0.00002.
gnomAD v4.1: 10 of 1,612,966 alleles (0.00062%); highest among the groups gnomAD compares: Admixed American, 0.0033%; no homozygotes.

Submission:

Labcorp Genetics (formerly Invitae), Labcorp
Classification: Uncertain significance. Last evaluated: 2022-09-01. Review status: criteria provided, single submitter. Criteria: Invitae Variant Classification Sherloc (09022015). Collection method: clinical testing. Allele origin: germline.
Comment: This sequence change replaces arginine, which is basic and polar, with histidine, which is basic and polar, at codon 572 of the OCA2 protein (p.Arg572His). This variant is present in population databases (rs754265614, gnomAD 0.006%). This variant has not been reported in the literature in individuals affected with OCA2-related conditions. ClinVar contains an entry for this variant (Variation ID: 1470861). Algorithms developed to predict the effect of missense changes on protein structure and function are either unavailable or do not agree on the potential impact of this missense change (SIFT: "Deleterious"; PolyPhen-2: "Probably Damaging"; Align-GVGD: "Class C0"). This variant disrupts the p.Arg572 amino acid residue in OCA2. Other variant(s) that disrupt this residue have been observed in individuals with OCA2-related conditions (PMID: 29345414, 31077556, 31196117), which suggests that this may be a clinically significant amino acid residue. In summary, the available evidence is currently insufficient to determine the role of this variant in disease. Therefore, it has been classified as a Variant of Uncertain Significance.

Literature cited by the submitters: PubMed 29345414; PubMed 31077556; PubMed 31196117.